The following is an entry in ClinVar:

ClinVar aggregate classification (germline): Uncertain significance (1 of 4 stars; one submission).

Conditions:
Hereditary nonpolyposis colorectal neoplasms. Identifiers: MedGen C0009405, MeSH D003123.

gnomAD v4.1: 1 of 1,613,342 alleles (0.000062%); highest among the groups gnomAD compares: Non-Finnish European, 0.000085%; no homozygotes.

Submission:

Labcorp Genetics (formerly Invitae), Labcorp
Classification: Uncertain significance for Hereditary nonpolyposis colorectal neoplasms. Last evaluated: 2025-03-18. Review status: criteria provided, single submitter. Criteria: Invitae Variant Classification Sherloc (09022015). Collection method: clinical testing. Allele origin: germline.
Comment: This sequence change replaces arginine, which is basic and polar, with serine, which is neutral and polar, at codon 385 of the MSH6 protein (p.Arg385Ser). This variant is not present in population databases (gnomAD no frequency). This variant has not been reported in the literature in individuals affected with MSH6-related conditions. ClinVar contains an entry for this variant (Variation ID: 2003188). Invitae Evidence Modeling of protein sequence and biophysical properties (such as structural, functional, and spatial information, amino acid conservation, physicochemical variation, residue mobility, and thermodynamic stability) indicates that this missense variant is not expected to disrupt MSH6 protein function with a negative predictive value of 95%. In summary, the available evidence is currently insufficient to determine the role of this variant in disease. Therefore, it has been classified as a Variant of Uncertain Significance.

NM_000179.3(MSH6):c.1155G>T (p.Arg385Ser)

Gene: MSH6 (mutS homolog 6; plus strand). Cytogenetic location: 2p16.3.
Variant type: single nucleotide variant.
Coding change: c.1155G>T on transcript NM_000179.3 (MANE Select); coding-DNA position 1155, G replaced by T.
Protein change: p.Arg385Ser; replaces arginine 385 with serine.
Molecular consequence: missense variant.
Genome position (GRCh38, 1-based): chr2:47,799,138, G>T. VCF-style: chr2-47799138-G-T. GRCh37 (hg19) VCF-style: chr2-48026277-G-T.
Other names: c.765G>T, p.Arg255Ser (NM_001281492.2); c.249G>T, p.Arg83Ser (NM_001281493.2, NM_001281494.2, NM_001406811.1 and 6 more transcripts); c.1251G>T, p.Arg417Ser (NM_001406795.1, NM_001406802.1); c.1155G>T, p.Arg385Ser (NM_001406796.1, NM_001406798.1, NM_001406800.1 and 4 more transcripts); c.858G>T, p.Arg286Ser (NM_001406797.1, NM_001406801.1, NM_001406805.1 and 10 more transcripts); c.630G>T, p.Arg210Ser (NM_001406799.1, NM_001406806.1, NM_001406807.1); c.1077G>T, p.Arg359Ser (NM_001406804.1); c.1161G>T, p.Arg387Ser (NM_001406813.1); and 1 more; short protein forms R255S, R286S, R359S, R83S, R329S, R385S, R417S, R210S.
Identifiers: ClinVar variation 2003188 (VCV002003188.4), dbSNP rs991563019, ClinGen allele CA346742229.